The following is an entry in ClinVar:

NM_000368.5(TSC1):c.2482C>T (p.Leu828Phe)

Gene: TSC1 (TSC complex subunit 1; minus strand). Cytogenetic location: 9q34.13.
Variant type: single nucleotide variant.
Coding change: c.2482C>T on transcript NM_000368.5 (MANE Select); coding-DNA position 2482, C replaced by T.
Protein change: p.Leu828Phe; replaces leucine 828 with phenylalanine.
Molecular consequence: missense variant. On other transcripts: non-coding transcript variant (5), intron variant (8).
Genome position (GRCh38, 1-based): chr9:132,901,609, G>A on the plus strand (C>T on the coding strand, the complement: TSC1 is on the minus strand). VCF-style: chr9-132901609-G-A. GRCh37 (hg19) VCF-style: chr9-135776996-G-A.
Other names: c.2479C>T, p.Leu827Phe (NM_001162426.2, NM_001406597.1, NM_001406598.1 and 2 more transcripts); c.2329C>T, p.Leu777Phe (NM_001162427.2, NM_001406610.1); c.2119C>T, p.Leu707Phe (NM_001362177.2, NM_001406614.1, NM_001406615.1 and 4 more transcripts); c.2482C>T, p.Leu828Phe (NM_001406592.1, NM_001406593.1, NM_001406594.1 and 2 more transcripts); c.2467C>T, p.Leu823Phe (NM_001406601.1, NM_001406602.1); c.2464C>T, p.Leu822Phe (NM_001406603.1, NM_001406604.1); c.2326C>T, p.Leu776Phe (NM_001406611.1, NM_001406612.1); c.2116C>T, p.Leu706Phe (NM_001406620.1, NM_001406621.1, NM_001406622.1 and 1 more transcripts); and 8 more; short protein forms L511F, L823F, L510F, L777F, L822F, L828F, L706F, L827F.
Identifiers: ClinVar variation 4554495 (VCV004554495.1).
Genomic context (GRCh38, chr9:132,901,609, plus strand): 5'-GGTGTTTCAGCAGATTCAGGTCTGCCTCATTTCTTCTTACCTTTTGGGAAACCTGACTGA[G>A]CAGCAGCTCAGTGTGACACACCTTGTTGTTGGCCTTCTTCAGTTCTATCCGCAGCTCCGC-3'
Protein context (NP_000359.1, residues 818-838): NNKVCHTELL[Leu828Phe]SQVSQKLSNS

ClinVar aggregate classification (germline): Uncertain significance (1 of 4 stars; one submission).

Conditions:
Hereditary cancer-predisposing syndrome. Also called: Tumor predisposition; Hereditary Cancer Syndrome; Hereditary neoplastic syndrome; Neoplastic Syndromes, Hereditary. Identifiers: Orphanet 140162, MedGen C0027672, MeSH D009386, MONDO:0015356.

Submission:

Ambry Genetics
Classification: Uncertain significance for Hereditary cancer-predisposing syndrome. Last evaluated: 2025-11-13. Review status: criteria provided, single submitter. Criteria: Ambry Variant Classification Scheme 2023. Collection method: clinical testing. Allele origin: germline.
Comment: The p.L828F variant (also known as c.2482C>T), located in coding exon 17 of the TSC1 gene, results from a C to T substitution at nucleotide position 2482. The leucine at codon 828 is replaced by phenylalanine, an amino acid with highly similar properties. This amino acid position is conserved. In addition, this alteration is predicted to be deleterious by in silico analysis. Based on the available evidence, the clinical significance of this variant remains unclear.